The following is an entry in ClinVar:

ClinVar aggregate classification (germline): Uncertain significance (1 of 4 stars; one submission).

Allele frequency attached by ClinVar (database versions not stated): gnomAD exomes below 0.00001.
gnomAD v4.1: 2 of 1,610,400 alleles (0.00012%); highest among the groups gnomAD compares: Non-Finnish European, 0.00017%; no homozygotes.

Submission:

Labcorp Genetics (formerly Invitae), Labcorp
Classification: Uncertain significance. Last evaluated: 2025-12-10. Review status: criteria provided, single submitter. Criteria: Invitae Variant Classification Sherloc (09022015). Collection method: clinical testing. Allele origin: germline.
Comment: This sequence change replaces asparagine, which is neutral and polar, with serine, which is neutral and polar, at codon 65 of the SI protein (p.Asn65Ser). This variant is not present in population databases (gnomAD no frequency). This variant has not been reported in the literature in individuals affected with SI-related conditions. ClinVar contains an entry for this variant (Variation ID: 1362385). Invitae Evidence Modeling of protein sequence and biophysical properties (such as structural, functional, and spatial information, amino acid conservation, physicochemical variation, residue mobility, and thermodynamic stability) indicates that this missense variant is not expected to disrupt SI protein function with a negative predictive value of 95%. In summary, the available evidence is currently insufficient to determine the role of this variant in disease. Therefore, it has been classified as a Variant of Uncertain Significance.

NM_001041.4(SI):c.194A>G (p.Asn65Ser)

Gene: SI (sucrase-isomaltase; minus strand). Cytogenetic location: 3q26.1.
Variant type: single nucleotide variant.
Coding change: c.194A>G on transcript NM_001041.4 (MANE Select); coding-DNA position 194, A replaced by G.
Protein change: p.Asn65Ser; replaces asparagine 65 with serine.
Molecular consequence: missense variant.
Genome position (GRCh38, 1-based): chr3:165,074,592, T>C on the plus strand (A>G on the coding strand, the complement: SI is on the minus strand). VCF-style: chr3-165074592-T-C. GRCh37 (hg19) VCF-style: chr3-164792380-T-C.
Other names: short protein forms N65S.
Identifiers: ClinVar variation 1362385 (VCV001362385.7), dbSNP rs2108114443, ClinGen allele CA355036740.
Genomic context (GRCh38, chr3:165,074,592, plus strand): 5'-TCTGTTGGGAATTGTTCTGGAATGCAGTTTATTCTCACATTGACAGGATCATTTAACACA[T>C]TTGGACATTTTCCTGAATCAGAAGGATTTGTAGTCACACGAGTAGTAGCTGGAGTTGAAG-3'
Protein context (NP_001032.2, residues 55-75): TNPSDSGKCP[Asn65Ser]VLNDPVNVRI